The following is an entry in ClinVar:

NM_002439.5(MSH3):c.1340+4A>G

Gene: MSH3 (mutS homolog 3; plus strand). Cytogenetic location: 5q14.1.
Variant type: single nucleotide variant.
Coding change: c.1340+4A>G on transcript NM_002439.5 (MANE Select); 4 bases into the intron after coding-DNA position 1340, A replaced by G.
Molecular consequence: intron variant.
Genome position (GRCh38, 1-based): chr5:80,679,097, A>G. VCF-style: chr5-80679097-A-G. GRCh37 (hg19) VCF-style: chr5-79974916-A-G.
Identifiers: ClinVar variation 4842845 (VCV004842845.1).
Genomic context (GRCh38, chr5:80,679,097, plus strand): 5'-TCCTTCGGCCTTGTCCGAGCAAACAGAGGCGCTCATCCACAGAGCCACATCTGTTAGGTA[A>G]GTTGGCACATCACTGGAATATAATACCGATTCTGAAACTTAGGTTTAGTTCCAAAACTGA-3'

ClinVar aggregate classification (germline): Uncertain significance (1 of 4 stars; one submission).

Conditions:
Hereditary cancer-predisposing syndrome. Also called: Neoplastic Syndromes, Hereditary; Tumor predisposition; Hereditary Cancer Syndrome; Hereditary neoplastic syndrome. Identifiers: Orphanet 140162, MedGen C0027672, MeSH D009386, MONDO:0015356.

Submission:

Ambry Genetics
Classification: Uncertain significance for Hereditary cancer-predisposing syndrome. Last evaluated: 2026-01-09. Review status: criteria provided, single submitter. Criteria: Ambry Variant Classification Scheme 2023. Collection method: clinical testing. Allele origin: germline.
Comment: The c.1340+4A>G intronic variant results from an A to G substitution 4 nucleotides after coding exon 8 in the MSH3 gene. This nucleotide position is not well conserved in available vertebrate species. In silico splice site analysis predicts that this alteration will not have any significant effect on splicing. Based on the available evidence, the clinical significance of this variant remains unclear.